The following is an entry in ClinVar:

NM_004329.3(BMPR1A):c.176dup (p.Leu59fs)

Gene: BMPR1A (bone morphogenetic protein receptor type 1A; plus strand). Cytogenetic location: 10q23.2.
Variant type: Duplication.
Coding change: c.176dup on transcript NM_004329.3 (MANE Select); coding-DNA position 176, one base duplicated (T; older notation c.176dupT).
Protein change: p.Leu59fs; shifts the reading frame from leucine 59.
Molecular consequence: frameshift variant. On other transcripts: non-coding transcript variant (3).
Genome position (GRCh38, 1-based): chr10:86,890,170, T duplicated; the last of 6 consecutive T bases (chr10:86,890,165-86,890,170); duplicating any one gives the same sequence. VCF-style (leftmost placement, unchanged base first): chr10-86890164-C-CT. GRCh37 (hg19) VCF-style: chr10-88649921-C-CT.
Other names: c.92dup, p.Leu31fs (NM_001406585.1, NM_001406586.1, NM_001406587.1 and 2 more transcripts); c.176dup, p.Leu59fs (NM_001406561.1, NM_001406562.1, NM_001406563.1 and 23 more transcripts); short protein forms L31fs, L59fs.
Identifiers: ClinVar variation 2583795 (VCV002583795.4), dbSNP rs786201038, ClinGen allele CA2582342702.

ClinVar aggregate classification (germline): Pathogenic. Review status: criteria provided, multiple submitters, no conflicts (2 of 4 stars). 2 submissions from 2 submitters: Pathogenic (2). Last evaluated 2024-10-13.

Conditions:
Juvenile polyposis syndrome (JPS). Identifiers: Orphanet 2929, MedGen C0345893, MONDO:0017380, OMIM 174900.

Submissions (2):

Labcorp Genetics (formerly Invitae), Labcorp
Classification: Pathogenic for Juvenile polyposis syndrome. Last evaluated: 2024-10-13. Review status: criteria provided, single submitter. Criteria: Invitae Variant Classification Sherloc (09022015). Collection method: clinical testing. Allele origin: germline.
Comment: This sequence change creates a premature translational stop signal (p.Leu59Phefs*12) in the BMPR1A gene. It is expected to result in an absent or disrupted protein product. Loss-of-function variants in BMPR1A are known to be pathogenic (PMID: 11536076, 12417513). This variant is not present in population databases (gnomAD no frequency). This variant has not been reported in the literature in individuals affected with BMPR1A-related conditions. ClinVar contains an entry for this variant (Variation ID: 2583795). Algorithms developed to predict the effect of sequence changes on RNA splicing suggest that this variant may disrupt the consensus splice site. For these reasons, this variant has been classified as Pathogenic.

Myriad Genetics, Inc.
Classification: Pathogenic for Juvenile polyposis syndrome. Last evaluated: 2023-05-25. Review status: criteria provided, single submitter. Criteria: Myriad Autosomal Dominant, Autosomal Recessive and X-Linked Classification Criteria (2023). Collection method: clinical testing. Allele origin: unknown.
Comment: This variant is considered pathogenic. This variant creates a frameshift predicted to result in premature protein truncation.

Literature cited by the submitters: PubMed 11536076 (cited by Labcorp Genetics (formerly Invitae), Labcorp); PubMed 12417513 (cited by Labcorp Genetics (formerly Invitae), Labcorp).